The following is an entry in ClinVar:

NM_018941.4(CLN8):c.-139_-124+21del

Genes: CLN8-AS1 (CLN8 antisense RNA 1; minus strand), CLN8 (CLN8 transmembrane ER and ERGIC protein; plus strand). Cytogenetic location: 8p23.3.
Variant type: Deletion.
Coding change: c.-139_-124+21del on transcript NM_018941.4 (MANE Select); 139 bases upstream of the start codon through 21 bases into the intron after 124 bases upstream of the start codon, 37 bases deleted.
Molecular consequence: splice donor variant.
Genome position (GRCh38, 1-based): chr8:1,763,870-1,763,906, 37 bases deleted; deleting any 37 consecutive bases within chr8:1,763,858-1,763,906 gives the same sequence; the c. name uses the placement nearest the transcript's 3' end. GRCh37 (hg19): chr8:1,712,036-1,712,072.
Other names: c.-139_-124+21delCTGAGTGGCAGCCCAGGTGAGCGCTCAGGGAGCCCGG (NM_018941.3); c.-139_-124+21del37 (NM_018941.3).
Identifiers: ClinVar variation 423310 (VCV000423310.2), dbSNP rs1064796355, ClinGen allele CA16618615.

ClinVar aggregate classification (germline): Uncertain significance (1 of 4 stars; one submission).

Submission:

GeneDx
Classification: Uncertain significance. Last evaluated: 2017-02-16. Review status: criteria provided, single submitter. Criteria: GeneDx Variant Classification (06012015). Collection method: clinical testing. Allele origin: germline. Affected: yes.
Comment: A variant of uncertain significance has been identified in the CLN8 gene. The c. -139_-124+21del37 variant has not been published as a pathogenic variant, nor has it been reported as a benign variant to our knowledge. No data are available from control populations to assess the frequency of this variant. This variant spans the 3' end of the noncoding exon 1 and the donor site of intron 2. Several in-silico splice prediction models predict that c. -139_-124+21del37 variant may destroy the natural donor site and lead to abnormal gene splicing. However, in the absence of RNA/functional studies, the actual effect of this sequence change in this individual is unknown. Additionally, to our knowledge, splice and regulatory variants have not been reported in CLN8 in association with NCL (Stenson et al., 2014). Therefore, based on the currently available information, it is unclear whether this variant is a pathogenic variant or a rare benign variant.